The following is an entry in ClinVar:

ClinVar aggregate classification (germline): Uncertain significance. Review status: criteria provided, multiple submitters, no conflicts (2 of 4 stars). 2 submissions from 2 submitters: Uncertain significance (2). Last evaluated 2025-08-11.

Conditions:
Autosomal dominant limb-girdle muscular dystrophy type 1D (DNAJB6) (LGMDD1). Also called: MUSCULAR DYSTROPHY, AUTOSOMAL DOMINANT, WITH RIMMED VACUOLES; MUSCULAR DYSTROPHY, LIMB-GIRDLE, TYPE 1D; Autosomal dominant limb-girdle muscular dystrophy type 1D; Muscular dystrophy, limb-girdle, autosomal dominant 1. Identifiers: Orphanet 34516, MedGen C4721885, MONDO:0021018, OMIM 603511.
DNAJB6-related disorder. Also called: DNAJB6-related condition.

gnomAD v4.1: 2 of 1,613,446 alleles (0.00012%); highest among the groups gnomAD compares: African/African-American, 0.0013%; no homozygotes.

Submissions (2):

Labcorp Genetics (formerly Invitae), Labcorp
Classification: Uncertain significance for Autosomal dominant limb-girdle muscular dystrophy type 1D (DNAJB6). Last evaluated: 2025-08-11. Review status: criteria provided, single submitter. Criteria: Invitae Variant Classification Sherloc (09022015). Collection method: clinical testing. Allele origin: germline.
Comment: This sequence change replaces histidine, which is basic and polar, with asparagine, which is neutral and polar, at codon 326 of the DNAJB6 protein (p.His326Asn). This variant is present in population databases (no rsID available, gnomAD 0.02%). This variant has not been reported in the literature in individuals affected with DNAJB6-related conditions. ClinVar contains an entry for this variant (Variation ID: 1932525). Invitae Evidence Modeling of protein sequence and biophysical properties (such as structural, functional, and spatial information, amino acid conservation, physicochemical variation, residue mobility, and thermodynamic stability) has been performed for this missense variant. However, the output from this modeling did not meet the statistical confidence thresholds required to predict the impact of this variant on DNAJB6 protein function. In summary, the available evidence is currently insufficient to determine the role of this variant in disease. Therefore, it has been classified as a Variant of Uncertain Significance.

PreventionGenetics, part of Exact Sciences
Classification: Uncertain significance for DNAJB6-related condition. Last evaluated: 2025-02-12. Review status: criteria provided, single submitter. Criteria: ACMG Guidelines, 2015. Collection method: clinical testing. Allele origin: germline.
Comment: The DNAJB6 c.976C>A variant is predicted to result in the amino acid substitution p.His326Asn. To our knowledge, this variant has not been reported in the literature. This variant is reported in 0.023% of alleles in individuals of African descent in gnomAD. Although we suspect that this variant may be benign, at this time, the clinical significance of this variant is uncertain due to the absence of conclusive functional and genetic evidence.

NM_058246.4(DNAJB6):c.976C>A (p.His326Asn)

Gene: DNAJB6 (DnaJ heat shock protein family (Hsp40) member B6; plus strand). Cytogenetic location: 7q36.3.
Variant type: single nucleotide variant.
Coding change: c.976C>A on transcript NM_058246.4 (MANE Select); coding-DNA position 976, C replaced by A.
Protein change: p.His326Asn; replaces histidine 326 with asparagine.
Molecular consequence: missense variant.
Genome position (GRCh38, 1-based): chr7:157,416,093, C>A. VCF-style: chr7-157416093-C-A. GRCh37 (hg19) VCF-style: chr7-157208787-C-A.
Other names: c.631C>A, p.His211Asn (NM_001363676.1); c.976C>A (NM_058246.3); short protein forms H211N, H326N.
Identifiers: ClinVar variation 1932525 (VCV001932525.6), dbSNP rs1356759035, ClinGen allele CA370167743.